The following is an entry in ClinVar:

ClinVar aggregate classification (germline): Conflicting classifications of pathogenicity. Review status: criteria provided, conflicting classifications (1 of 4 stars). 2 submissions from 2 submitters: Uncertain significance (1); Likely benign (1). Last evaluated 2025-07-01.

Conditions:
Neurodevelopmental disorder with or without anomalies of the brain, eye, or heart (NEDBEH). Identifiers: Orphanet 494344, MedGen C5567477, MONDO:0014857, OMIM 616975.

Allele frequency attached by ClinVar (database versions not stated): gnomAD 0.00002.

Submissions (2):

CeGaT Center for Human Genetics Tuebingen
Classification: Likely benign. Last evaluated: 2025-07-01. Review status: criteria provided, single submitter. Criteria: CeGaT Center For Human Genetics Tuebingen Variant Classification Criteria Version 2. Collection method: clinical testing. Allele origin: germline. Affected: yes. Observed: 1 variant allele.
Comment: RERE: BP4

Revvity Omics, Revvity
Classification: Uncertain significance for Neurodevelopmental disorder with or without anomalies of the brain, eye, or heart. Last evaluated: 2022-07-20. Review status: criteria provided, single submitter. Criteria: ACMG Guidelines, 2015. Collection method: clinical testing. Allele origin: germline.

NM_001042681.2(RERE):c.3136C>T (p.Pro1046Ser)

Gene: RERE (arginine-glutamic acid dipeptide repeats; minus strand). Cytogenetic location: 1p36.23.
Variant type: single nucleotide variant.
Coding change: c.3136C>T on transcript NM_001042681.2 (MANE Select); coding-DNA position 3136, C replaced by T.
Protein change: p.Pro1046Ser; replaces proline 1046 with serine.
Molecular consequence: missense variant.
Genome position (GRCh38, 1-based): chr1:8,360,371, G>A on the plus strand (C>T on the coding strand, the complement: RERE is on the minus strand). VCF-style: chr1-8360371-G-A. GRCh37 (hg19) VCF-style: chr1-8420431-G-A.
Other names: c.1474C>T, p.Pro492Ser (NM_001042682.2); c.3136C>T, p.Pro1046Ser (NM_012102.4); short protein forms P1046S, P492S.
Identifiers: ClinVar variation 2435402 (VCV002435402.11), dbSNP rs977359991, ClinGen allele CA17695016.